The following is an entry in ClinVar:

ClinVar aggregate classification (germline): Benign/Likely benign. Review status: criteria provided, multiple submitters, no conflicts (2 of 4 stars). 2 submissions from 2 submitters: Benign (1); Likely benign (1). Last evaluated 2024-11-12.

Conditions:
Hereditary cancer-predisposing syndrome. Also called: Neoplastic Syndromes, Hereditary; Tumor predisposition; Hereditary Cancer Syndrome; Hereditary neoplastic syndrome. Identifiers: Orphanet 140162, MedGen C0027672, MeSH D009386, MONDO:0015356.
Papillary renal cell carcinoma type 1 (RCCP1). Also called: Renal adenocarcinoma; Renal cell carcinoma 1; Renal cell carcinoma, somatic; RENAL CELL CARCINOMA, PAPILLARY, 1, SOMATIC. Identifiers: Orphanet 47044, MedGen C1336839, OMIM 605074, HP:0011797.

Submissions (2):

Myriad Genetics, Inc.
Classification: Benign for Papillary renal cell carcinoma type 1. Last evaluated: 2024-11-12. Review status: criteria provided, single submitter. Criteria: Myriad Autosomal Dominant, Autosomal Recessive and X-Linked Classification Criteria (2023). Collection method: clinical testing. Allele origin: unknown.
Comment: This variant is considered benign. This variant is a silent/synonymous amino acid change and it is not expected to impact splicing.

Ambry Genetics
Classification: Likely benign for Hereditary cancer-predisposing syndrome. Last evaluated: 2021-05-09. Review status: criteria provided, single submitter. Criteria: Ambry Variant Classification Scheme 2023. Collection method: clinical testing. Allele origin: germline.

NM_000245.4(MET):c.2863C>T (p.Leu955=)

Gene: MET (MET proto-oncogene, receptor tyrosine kinase; plus strand). Cytogenetic location: 7q31.2.
Variant type: single nucleotide variant.
Coding change: c.2863C>T on transcript NM_000245.4 (MANE Select); coding-DNA position 2863, C replaced by T.
Protein change: p.Leu955=; no amino-acid change (leucine 955 retained).
Molecular consequence: synonymous variant.
Genome position (GRCh38, 1-based): chr7:116,771,630, C>T. VCF-style: chr7-116771630-C-T. GRCh37 (hg19) VCF-style: chr7-116411684-C-T.
Other names: c.2917C>T, p.Leu973= (NM_001127500.3); c.1573C>T, p.Leu525= (NM_001324402.2).
Identifiers: ClinVar variation 1797640 (VCV001797640.3), dbSNP rs2116993049, ClinGen allele CA457447508.
Genomic context (GRCh38, chr7:116,771,630, plus strand): 5'-ATTGCTGGTGTTGTCTCAATATCAACAGCACTGTTATTACTACTTGGGTTTTTCCTGTGG[C>T]TGAAAAAGAGAAAGCAAATTAAAGGTGCATTTTTGTTACTGTTCATTTTTAGAAGTTACC-3'
Protein context (NP_000236.2, residues 945-965): LLLLLGFFLW[Leu955=]KKRKQIKDLG